The following is an entry in ClinVar:

NM_018133.4(MSL2):c.499A>G (p.Thr167Ala)

Gene: MSL2 (MSL complex subunit 2; minus strand). Cytogenetic location: 3q22.3.
Variant type: single nucleotide variant.
Coding change: c.499A>G on transcript NM_018133.4 (MANE Select); coding-DNA position 499, A replaced by G.
Protein change: p.Thr167Ala; replaces threonine 167 with alanine.
Molecular consequence: missense variant.
Genome position (GRCh38, 1-based): chr3:136,152,382, T>C on the plus strand (A>G on the coding strand, the complement: MSL2 is on the minus strand). VCF-style: chr3-136152382-T-C. GRCh37 (hg19) VCF-style: chr3-135871224-T-C.
Other names: c.277A>G, p.Thr93Ala (NM_001145417.2); short protein forms T167A, T93A.
Identifiers: ClinVar variation 4082714 (VCV004082714.1).

ClinVar aggregate classification (germline): Uncertain significance (1 of 4 stars; one submission).

Submission:

GeneDx
Classification: Uncertain significance. Last evaluated: 2025-02-28. Review status: criteria provided, single submitter. Criteria: GeneDx Variant Classification Process June 2021. Collection method: clinical testing. Allele origin: germline. Affected: yes.
Comment: Not observed at significant frequency in large population cohorts (gnomAD); In silico analysis indicates that this missense variant does not alter protein structure/function; Has not been previously published as pathogenic or benign to our knowledge